The following is an entry in ClinVar:

NM_001378454.1(ALMS1):c.7221G>T (p.Met2407Ile)

Gene: ALMS1 (ALMS1 centrosome and basal body associated protein; plus strand). Cytogenetic location: 2p13.1.
Variant type: single nucleotide variant.
Coding change: c.7221G>T on transcript NM_001378454.1 (MANE Select); coding-DNA position 7221, G replaced by T.
Protein change: p.Met2407Ile; replaces methionine 2407 with isoleucine.
Molecular consequence: missense variant.
Genome position (GRCh38, 1-based): chr2:73,453,748, G>T. VCF-style: chr2-73453748-G-T. GRCh37 (hg19) VCF-style: chr2-73680875-G-T.
Other names: c.7224G>T, p.Met2408Ile (NM_015120.4); short protein forms M2407I, M2408I.
Identifiers: ClinVar variation 4527468 (VCV004527468.1).

ClinVar aggregate classification (germline): Uncertain significance (1 of 4 stars; one submission).

Submission:

GeneDx
Classification: Uncertain significance. Last evaluated: 2025-04-30. Review status: criteria provided, single submitter. Criteria: GeneDx Variant Classification Process June 2021. Collection method: clinical testing. Allele origin: germline. Affected: yes.
Comment: Not observed at significant frequency in large population cohorts (gnomAD); In silico analysis supports that this missense variant has a deleterious effect on protein structure/function; Has not been previously published as pathogenic or benign to our knowledge